The following is an entry in ClinVar:

ClinVar aggregate classification (germline): Uncertain significance (1 of 4 stars; one submission).

Allele frequency attached by ClinVar (database versions not stated): gnomAD exomes below 0.00001; ExAC 0.00001.
gnomAD v4.1: 2 of 1,613,958 alleles (0.00012%); highest among the groups gnomAD compares: Non-Finnish European, 0.00017%; no homozygotes.

Submission:

Labcorp Genetics (formerly Invitae), Labcorp
Classification: Uncertain significance. Last evaluated: 2023-11-27. Review status: criteria provided, single submitter. Criteria: Invitae Variant Classification Sherloc (09022015). Collection method: clinical testing. Allele origin: germline.
Comment: This sequence change replaces serine, which is neutral and polar, with phenylalanine, which is neutral and non-polar, at codon 686 of the KCNC3 protein (p.Ser686Phe). This variant is present in population databases (rs764538909, gnomAD 0.0009%). This variant has not been reported in the literature in individuals affected with KCNC3-related conditions. Advanced modeling of protein sequence and biophysical properties (such as structural, functional, and spatial information, amino acid conservation, physicochemical variation, residue mobility, and thermodynamic stability) performed at Invitae indicates that this missense variant is not expected to disrupt KCNC3 protein function with a negative predictive value of 95%. In summary, the available evidence is currently insufficient to determine the role of this variant in disease. Therefore, it has been classified as a Variant of Uncertain Significance.

NM_004977.3(KCNC3):c.2057C>T (p.Ser686Phe)

Gene: KCNC3 (potassium voltage-gated channel subfamily C member 3; minus strand). Cytogenetic location: 19q13.33.
Variant type: single nucleotide variant.
Coding change: c.2057C>T on transcript NM_004977.3 (MANE Select); coding-DNA position 2057, C replaced by T.
Protein change: p.Ser686Phe; replaces serine 686 with phenylalanine.
Molecular consequence: missense variant. On other transcripts: non-coding transcript variant (1).
Genome position (GRCh38, 1-based): chr19:50,320,706, G>A on the plus strand (C>T on the coding strand, the complement: KCNC3 is on the minus strand). VCF-style: chr19-50320706-G-A. GRCh37 (hg19) VCF-style: chr19-50823963-G-A.
Other names: c.1829C>T, p.Ser610Phe (NM_001372305.1); short protein forms S610F, S686F.
Identifiers: ClinVar variation 2991621 (VCV002991621.3), dbSNP rs764538909, ClinGen allele CA9594122.
Genomic context (GRCh38, chr19:50,320,706, plus strand): 5'-GCTCGGTCCCGGCTATAGCGGCCACGGCTTCCAGGCGTGATGGGGCTCTTGTCTTCCGGG[G>A]ACATGGCAGGCTGGTCAATGGCTGGGCAGTCCTCGTGGGCAAGCGCAGCTGCTGCCGGAT-3'
Protein context (NP_004968.2, residues 676-696): DCPAIDQPAM[Ser686Phe]PEDKSPITPG